The following is an entry in ClinVar:

ClinVar aggregate classification (germline): Likely benign (0 of 4 stars; one submission).

Conditions:
BRWD3-related disorder. Also called: BRWD3-related condition.

Allele frequency attached by ClinVar (database versions not stated): ExAC 0.00002; gnomAD exomes 0.00002.
gnomAD v4.1: 23 of 1,205,280 alleles (0.0019%); highest among the groups gnomAD compares: East Asian, 0.062%; no homozygotes.

Submission:

PreventionGenetics, part of Exact Sciences
Classification: Likely benign for BRWD3-related condition. Last evaluated: 2020-08-19. Review status: no assertion criteria provided. Collection method: clinical testing. Allele origin: germline.
Comment: This variant is classified as likely benign based on ACMG/AMP sequence variant interpretation guidelines (Richards et al. 2015 PMID: 25741868, with internal and published modifications).

NM_153252.5(BRWD3):c.1308C>T (p.Thr436=)

Gene: BRWD3 (bromodomain and WD repeat domain containing 3; minus strand). Cytogenetic location: Xq21.1.
Variant type: single nucleotide variant.
Coding change: c.1308C>T on transcript NM_153252.5 (MANE Select); coding-DNA position 1308, C replaced by T.
Protein change: p.Thr436=; no amino-acid change (threonine 436 retained).
Molecular consequence: synonymous variant.
Genome position (GRCh38, 1-based): chrX:80,728,830, G>A on the plus strand (C>T on the coding strand, the complement: BRWD3 is on the minus strand). VCF-style: chrX-80728830-G-A. GRCh37 (hg19) VCF-style: chrX-79984329-G-A.
Identifiers: ClinVar variation 3032973 (VCV003032973.2), dbSNP rs755345704, ClinGen allele CA10462202.
Genomic context (GRCh38, chrX:80,728,830, plus strand): 5'-CTGTCCTGTGATAGAATTCCACACTTTCAAAAGAAAATTGTTCACTGCAGTAATAACTGT[G>A]GTATCATAGCGATCCCAGGCCACCATAGTCACCTTAAGTTTAGTGATCTTGTCTTCTCCA-3'
Protein context (NP_694984.5, residues 426-446): VTMVAWDRYD[Thr436=]TVITAVNNFL